The following is an entry in ClinVar:

ClinVar aggregate classification (germline): Pathogenic (1 of 4 stars; one submission).

Conditions:
Tuberous sclerosis 1 (TSC1). Identifiers: Orphanet 805, MedGen C1854465, MONDO:0008612, OMIM 191100.

Submission:

Labcorp Genetics (formerly Invitae), Labcorp
Classification: Pathogenic for Tuberous sclerosis 1. Last evaluated: 2022-04-22. Review status: criteria provided, single submitter. Criteria: Invitae Variant Classification Sherloc (09022015). Collection method: clinical testing. Allele origin: germline.
Comment: For these reasons, this variant has been classified as Pathogenic. Algorithms developed to predict the effect of sequence changes on RNA splicing suggest that this variant may create or strengthen a splice site. ClinVar contains an entry for this variant (Variation ID: 847472). This variant has not been reported in the literature in individuals affected with TSC1-related conditions. This variant is not present in population databases (gnomAD no frequency). This sequence change creates a premature translational stop signal (p.Leu669Phefs*60) in the TSC1 gene. It is expected to result in an absent or disrupted protein product. Loss-of-function variants in TSC1 are known to be pathogenic (PMID: 10227394, 17304050).

Literature cited by the submitters: PubMed 10227394; PubMed 17304050.

NC_000009.12:g.132904457_132904458insAAAAAGGCAACCTA

Gene: TSC1 (TSC complex subunit 1; minus strand). Cytogenetic location: 9q34.13.
Variant type: Insertion.
Genome position: GRCh38 VCF-style: chr9-132904445-T-TAAAGGCAACCTAAA. GRCh37 (hg19) VCF-style: chr9-135779832-T-TAAAGGCAACCTAAA.
Identifiers: ClinVar variation 847472 (VCV000847472.9), ClinGen allele CA916081569.